The following is an entry in ClinVar:

ClinVar aggregate classification (germline): Uncertain significance (1 of 4 stars; one submission).

Conditions:
Sterile multifocal osteomyelitis with periostitis and pustulosis. Also called: CHRONIC RECURRENT MULTIFOCAL OSTEOMYELITIS 2, WITH PERIOSTITIS AND PUSTULOSIS. Identifiers: Orphanet 210115, MedGen C2748507, MONDO:0013021, OMIM 612852.

gnomAD v4.1: 7 of 1,614,096 alleles (0.00043%); highest among the groups gnomAD compares: East Asian, 0.0022%; no homozygotes.

Submission:

Labcorp Genetics (formerly Invitae), Labcorp
Classification: Uncertain significance for Sterile multifocal osteomyelitis with periostitis and pustulosis. Last evaluated: 2020-10-30. Review status: criteria provided, single submitter. Criteria: Invitae Variant Classification Sherloc (09022015). Collection method: clinical testing. Allele origin: germline.
Comment: In summary, the available evidence is currently insufficient to determine the role of this variant in disease. Therefore, it has been classified as a Variant of Uncertain Significance. Algorithms developed to predict the effect of missense changes on protein structure and function output the following: SIFT: "Tolerated"; PolyPhen-2: "Possibly Damaging"; Align-GVGD: "Class C0". The leucine amino acid residue is found in multiple mammalian species, suggesting that this missense change does not adversely affect protein function. These predictions have not been confirmed by published functional studies and their clinical significance is uncertain. This variant has not been reported in the literature in individuals with IL1RN-related conditions. This variant is not present in population databases (ExAC no frequency). This sequence change replaces arginine with leucine at codon 130 of the IL1RN protein (p.Arg130Leu). The arginine residue is highly conserved and there is a moderate physicochemical difference between arginine and leucine.

NM_173842.3(IL1RN):c.380G>T (p.Arg127Leu)

Gene: IL1RN (interleukin 1 receptor antagonist; plus strand). Cytogenetic location: 2q14.1.
Variant type: single nucleotide variant.
Coding change: c.380G>T on transcript NM_173842.3 (MANE Select); coding-DNA position 380, G replaced by T.
Protein change: p.Arg127Leu; replaces arginine 127 with leucine.
Molecular consequence: missense variant.
Genome position (GRCh38, 1-based): chr2:113,132,717, G>T. VCF-style: chr2-113132717-G-T. GRCh37 (hg19) VCF-style: chr2-113890294-G-T.
Other names: c.326G>T, p.Arg109Leu (NM_000577.5); c.278G>T, p.Arg93Leu (NM_001318914.2, NM_001379360.1, NM_173843.3); c.389G>T, p.Arg130Leu (NM_173841.3); short protein forms R109L, R130L, R127L, R93L.
Identifiers: ClinVar variation 1471588 (VCV001471588.8), dbSNP rs780956028, ClinGen allele CA348296047.